The following is an entry in ClinVar:

NM_001927.4(DES):c.1172T>G (p.Leu391Arg)

Gene: DES (desmin; plus strand). Cytogenetic location: 2q35.
Variant type: single nucleotide variant.
Coding change: c.1172T>G on transcript NM_001927.4 (MANE Select); coding-DNA position 1172, T replaced by G.
Protein change: p.Leu391Arg; replaces leucine 391 with arginine.
Molecular consequence: missense variant.
Genome position (GRCh38, 1-based): chr2:219,421,488, T>G. VCF-style: chr2-219421488-T-G. GRCh37 (hg19) VCF-style: chr2-220286210-T-G.
Other names: c.1169T>G, p.Leu390Arg (NM_001382708.1); c.740T>G, p.Leu247Arg (NM_001382709.1); c.1103T>G, p.Leu368Arg (NM_001382710.1); c.1151T>G, p.Leu384Arg (NM_001382711.1); c.1172T>G, p.Leu391Arg (NM_001382712.1); c.902T>G, p.Leu301Arg (NM_001382713.1); short protein forms L247R, L301R, L368R, L384R, L390R, L391R.
Identifiers: ClinVar variation 1023917 (VCV001023917.9), dbSNP rs1954443135, ClinGen allele CA350694775.

ClinVar aggregate classification (germline): Uncertain significance (1 of 4 stars; one submission).

Conditions:
Desmin-related myofibrillar myopathy (MFM1). Also called: Myofibrillar myopathy 1; Desminopathy; MYOFIBRILLAR MYOPATHY WITH ARRHYTHMOGENIC RIGHT VENTRICULAR CARDIOMYOPATHY; DESMIN-RELATED MYOPATHY WITH ARRHYTHMOGENIC RIGHT VENTRICULAR CARDIOMYOPATHY; Desmin related myopathy (former name); Desmin storage myopathy (former name). Identifiers: Orphanet 363543, Orphanet 98909, MedGen C1832370, MONDO:0011076, OMIM 601419.

Submission:

Labcorp Genetics (formerly Invitae), Labcorp
Classification: Uncertain significance for Desmin-related myofibrillar myopathy. Last evaluated: 2020-03-26. Review status: criteria provided, single submitter. Criteria: Invitae Variant Classification Sherloc (09022015). Collection method: clinical testing. Allele origin: germline.
Comment: This variant is not present in population databases (ExAC no frequency). This variant has not been reported in the literature in individuals with DES-related conditions. Algorithms developed to predict the effect of missense changes on protein structure and function (SIFT, PolyPhen-2, Align-GVGD) all suggest that this variant is likely to be disruptive, but these predictions have not been confirmed by published functional studies and their clinical significance is uncertain. In summary, the available evidence is currently insufficient to determine the role of this variant in disease. Therefore, it has been classified as a Variant of Uncertain Significance. This sequence change replaces leucine with arginine at codon 391 of the DES protein (p.Leu391Arg). The leucine residue is highly conserved and there is a moderate physicochemical difference between leucine and arginine.